The following is an entry in ClinVar:

ClinVar aggregate classification (germline): Likely pathogenic (1 of 4 stars; one submission).

gnomAD v4.1: 1 of 1,614,164 alleles (0.000062%); highest among the groups gnomAD compares: Non-Finnish European, 0.000085%; no homozygotes.

Submission:

Mayo Clinic Laboratories, Mayo Clinic
Classification: Likely pathogenic. Last evaluated: 2024-05-08. Review status: criteria provided, single submitter. Criteria: ACMG Guidelines, 2015. Collection method: clinical testing. Allele origin: germline. Observed: 1 variant allele.
Comment: PM2, PVS1

NM_002335.4(LRP5):c.1537C>T (p.Gln513Ter)

Gene: LRP5 (LDL receptor related protein 5; plus strand). Cytogenetic location: 11q13.2.
Variant type: single nucleotide variant.
Coding change: c.1537C>T on transcript NM_002335.4 (MANE Select); coding-DNA position 1537, C replaced by T.
Protein change: p.Gln513Ter; replaces glutamine 513 with a stop codon.
Molecular consequence: nonsense. On other transcripts: intron variant (1).
Genome position (GRCh38, 1-based): chr11:68,390,005, C>T. VCF-style: chr11-68390005-C-T. GRCh37 (hg19) VCF-style: chr11-68157473-C-T.
Other names: p.Gln513*; c.-354+3293C>T (NM_001291902.2); short protein forms Q513*.
Identifiers: ClinVar variation 3381068 (VCV003381068.1).